The following is an entry in ClinVar:

ClinVar aggregate classification (germline): Uncertain significance (1 of 4 stars; one submission).

gnomAD v4.1: 1 of 1,594,888 alleles (0.000063%); highest among the groups gnomAD compares: Admixed American, 0.0018%; no homozygotes.

Submission:

Labcorp Genetics (formerly Invitae), Labcorp
Classification: Uncertain significance. Last evaluated: 2023-07-03. Review status: criteria provided, single submitter. Criteria: Invitae Variant Classification Sherloc (09022015). Collection method: clinical testing. Allele origin: germline.
Comment: In summary, the available evidence is currently insufficient to determine the role of this variant in disease. Therefore, it has been classified as a Variant of Uncertain Significance. Advanced modeling of protein sequence and biophysical properties (such as structural, functional, and spatial information, amino acid conservation, physicochemical variation, residue mobility, and thermodynamic stability) performed at Invitae indicates that this missense variant is not expected to disrupt TCF3 protein function. This variant has not been reported in the literature in individuals affected with TCF3-related conditions. The frequency data for this variant in the population databases is considered unreliable, as metrics indicate poor data quality at this position in the gnomAD database. This sequence change replaces serine, which is neutral and polar, with tyrosine, which is neutral and polar, at codon 305 of the TCF3 protein (p.Ser305Tyr).

NM_003200.5(TCF3):c.914C>A (p.Ser305Tyr)

Gene: TCF3 (transcription factor 3; minus strand). Cytogenetic location: 19p13.3.
Variant type: single nucleotide variant.
Coding change: c.914C>A on transcript NM_003200.5 (MANE Select); coding-DNA position 914, C replaced by A.
Protein change: p.Ser305Tyr; replaces serine 305 with tyrosine.
Molecular consequence: missense variant.
Genome position (GRCh38, 1-based): chr19:1,621,879, G>T on the plus strand (C>A on the coding strand, the complement: TCF3 is on the minus strand). VCF-style: chr19-1621879-G-T. GRCh37 (hg19) VCF-style: chr19-1621878-G-T.
Other names: c.914C>A, p.Ser305Tyr (NM_001136139.4, NM_001351778.2, NM_001351779.2); short protein forms S305Y.
Identifiers: ClinVar variation 2906951 (VCV002906951.3), dbSNP rs141433039, ClinGen allele CA9050167.